The following is an entry in ClinVar:

ClinVar aggregate classification (germline): Uncertain significance (1 of 4 stars; one submission).

Allele frequency attached by ClinVar (database versions not stated): gnomAD exomes below 0.00001.
gnomAD v4.1: 4 of 1,607,150 alleles (0.00025%); highest among the groups gnomAD compares: Non-Finnish European, 0.00034%; no homozygotes.

Submission:

Labcorp Genetics (formerly Invitae), Labcorp
Classification: Uncertain significance. Last evaluated: 2022-11-22. Review status: criteria provided, single submitter. Criteria: Invitae Variant Classification Sherloc (09022015). Collection method: clinical testing. Allele origin: germline.
Comment: This variant is not present in population databases (gnomAD no frequency). This sequence change replaces lysine, which is basic and polar, with asparagine, which is neutral and polar, at codon 583 of the EPS8L2 protein (p.Lys583Asn). This variant has not been reported in the literature in individuals affected with EPS8L2-related conditions. ClinVar contains an entry for this variant (Variation ID: 1425825). Algorithms developed to predict the effect of missense changes on protein structure and function are either unavailable or do not agree on the potential impact of this missense change (SIFT: "Deleterious"; PolyPhen-2: "Benign"; Align-GVGD: "Class C0"). Algorithms developed to predict the effect of sequence changes on RNA splicing suggest that this variant may create or strengthen a splice site. In summary, the available evidence is currently insufficient to determine the role of this variant in disease. Therefore, it has been classified as a Variant of Uncertain Significance.

NM_022772.4(EPS8L2):c.1749A>C (p.Lys583Asn)

Gene: EPS8L2 (EPS8 signaling adaptor L2; plus strand). Cytogenetic location: 11p15.5.
Variant type: single nucleotide variant.
Coding change: c.1749A>C on transcript NM_022772.4 (MANE Select); coding-DNA position 1749, A replaced by C.
Protein change: p.Lys583Asn; replaces lysine 583 with asparagine.
Molecular consequence: missense variant.
Genome position (GRCh38, 1-based): chr11:726,166, A>C. VCF-style: chr11-726166-A-C. GRCh37 (hg19) VCF-style: chr11-726166-A-C.
Other names: short protein forms K583N.
Identifiers: ClinVar variation 1425825 (VCV001425825.5), dbSNP rs2133541269, ClinGen allele CA378975364.